The following is an entry in ClinVar:

NM_021927.3(GUF1):c.1753C>T (p.Arg585Trp)

Gene: GUF1 (GTP binding elongation factor GUF1; plus strand). Cytogenetic location: 4p12.
Variant type: single nucleotide variant.
Coding change: c.1753C>T on transcript NM_021927.3 (MANE Select); coding-DNA position 1753, C replaced by T.
Protein change: p.Arg585Trp; replaces arginine 585 with tryptophan.
Molecular consequence: missense variant. On other transcripts: intron variant (1).
Genome position (GRCh38, 1-based): chr4:44,695,652, C>T. VCF-style: chr4-44695652-C-T. GRCh37 (hg19) VCF-style: chr4-44697669-C-T.
Other names: c.1753C>T (NM_021927.2); c.781C>T, p.Arg261Trp (NM_001345867.2, NM_001345869.2); c.1715+1139C>T (NM_001345868.2); short protein forms R261W, R585W.
Identifiers: ClinVar variation 2997643 (VCV002997643.4), dbSNP rs759581426, ClinGen allele CA2905751.

ClinVar aggregate classification (germline): Uncertain significance. Review status: criteria provided, multiple submitters, no conflicts (2 of 4 stars). 2 submissions from 2 submitters: Uncertain significance (2). Last evaluated 2024-03-19.

Allele frequency attached by ClinVar (database versions not stated): gnomAD 0.00001; TOPMed 0.00002.
gnomAD v4.1: 16 of 1,612,580 alleles (0.00099%); highest among the groups gnomAD compares: Admixed American, 0.0083%; no homozygotes.

Submissions (2):

Ambry Genetics
Classification: Uncertain significance. Last evaluated: 2024-03-19. Review status: criteria provided, single submitter. Criteria: Ambry Variant Classification Scheme 2023. Collection method: clinical testing. Allele origin: germline.

Labcorp Genetics (formerly Invitae), Labcorp
Classification: Uncertain significance. Last evaluated: 2023-01-23. Review status: criteria provided, single submitter. Criteria: Invitae Variant Classification Sherloc (09022015). Collection method: clinical testing. Allele origin: germline.
Comment: In summary, the available evidence is currently insufficient to determine the role of this variant in disease. Therefore, it has been classified as a Variant of Uncertain Significance. Algorithms developed to predict the effect of missense changes on protein structure and function (SIFT, PolyPhen-2, Align-GVGD) all suggest that this variant is likely to be disruptive. This variant has not been reported in the literature in individuals affected with GUF1-related conditions. This variant is present in population databases (rs759581426, gnomAD 0.01%). This sequence change replaces arginine, which is basic and polar, with tryptophan, which is neutral and slightly polar, at codon 585 of the GUF1 protein (p.Arg585Trp).